The following continues an entry in ClinVar:

NM_000256.3(MYBPC3):c.1624G>C (p.Glu542Gln)

Gene: MYBPC3. ClinVar aggregate classification (germline): Pathogenic/Likely pathogenic. Pathogenic (33); Likely pathogenic (1).

Submissions 8 to 22 of 41:

All of Us Research Program, National Institutes of Health
Classification: Pathogenic for Hypertrophic cardiomyopathy. Last evaluated: 2024-08-13. Review status: criteria provided, single submitter. Criteria: ACMG Guidelines, 2015. Collection method: clinical testing. Allele origin: germline. Inheritance: Autosomal dominant inheritance. Observed: 18 variant alleles, 18 heterozygotes.
Comment: The c.1624G>C (p.Glu542Gln) variant in exon 17 of the MYBPC3 gene has been reported in multiple unrelated individuals with hypertrophic cardiomyopathies (HCM) (PMID: 9631872, 12707239, 15519027, 16199542, 16858239, 19150014, 20738943, 21239446, 18533079, 24093860, 27483260, 27532257). It has also been reported to segregate with disease in multiple affected individuals from unrelated families (PMID: 9048664, 20433692). This variant has an extremely low frequency in the general population databases. The c.1624G>C sequence change is located at the last base of the exon and predicted to alter mRNA splicing. mRNA studies using patient lymphocytes and cardiac tissues have confirmed that this variant causes skipping of exon 17, introducing a premature translational termination codon, while normally spliced missense transcript for c.1624G>C (p.Glu542Gln) is also expressed (PMID: 9048664, 22057632, 25031304, 28679633). Functional studies in fetal rat cardiomyocytes showed that incorporation of truncating variants of MYBPC3 into sarcomere is reduced compared to wild-type, suggesting that truncating variants and the c.1624G>C (p.Glu542Gln) missense variant have a dominant negative effect on the myobrillar architecture (PMID: 10610770). In summary, this c.1624G>C (p.Glu542Gln) variant in the MYBPC3 gene is classified as pathogenic.

This study involves interpretation of variants in research participants for the purpose of population health screening. Participant phenotype was not available at the time of variant classification. Additional details can be found in publication PMID: 35346344, PMCID: PMC8962531

Revvity Omics, Revvity
Classification: Pathogenic. Last evaluated: 2024-03-21. Review status: criteria provided, single submitter. Criteria: ACMG Guidelines, 2015. Collection method: clinical testing. Allele origin: germline.

Color Diagnostics, LLC DBA Color Health
Classification: Pathogenic for Cardiomyopathy. Last evaluated: 2024-02-23. Review status: criteria provided, single submitter. Criteria: ACMG Guidelines, 2015. Collection method: clinical testing. Allele origin: germline.
Comment: This variant changes the last nucleotide c.G of the Ig-like domain C3 of exon 17 of the MYBPC3 gene and is predicted to impair RNA splicing at the intron 17 splice donor site. RNA studies have shown that this variant causes skipping of exon 17 and introduces a premature translation stop codon (PMID: 9048664, 22057632, 25031304, 30645170, 34097875). An experimental functional study has shown that the truncated protein causes decreased protein incorporation into the sarcomere (PMID: 10610770). This variant has been reported in over 50 individuals affected with hypertrophic cardiomyopathy (PMID: 9048664, 9631872, 12707239, 15519027, 16199542, 18533079, 19150014, 20433692, 25031304, 27483260, 27532257, 36138163, 37821546) and segregated with disease in multiple affected relatives across several families (PMID: 9048664, 30645170). This variant has been identified in 5/262678 chromosomes in the general population by the Genome Aggregation Database (gnomAD). Loss of MYBPC3 function is a known mechanism of disease. Based on available evidence, this variant is classified as Pathogenic.

Illumina Laboratory Services, Illumina
Classification: Pathogenic for Hypertrophic cardiomyopathy 4. Last evaluated: 2023-08-24. Review status: criteria provided, single submitter. Criteria: ICSLVariantClassificationCriteria RUGD 01 April 2020. Collection method: clinical testing. Allele origin: unknown.
Comment: The MYBPC3 c.1624G>C (p.Glu542Gln) missense variant has been identified in individuals with hypertrophic cardiomyopathy (PMID: 9048664; 9631872; 27532257; 30645170; 36264615). This variant has been shown to segregate with disease in at least two families (PMID: 9048664). The p.Glu542Gln variant is not observed at a significant frequency in version 2.1.1 or version 3.1.2 of the Genome Aggregation Database. Functional studies conducted in patient cells and non-human cells demonstrate that this variant results in abnormal splicing of exon 17 leading to a truncated protein that lacks the titin and myosin binding sites (PMID: 9048664; 25031304; 30645170; 34097875). Based on the available evidence, the c.1624G>C (p.Glu542Gln) variant is classified as pathogenic for hypertrophic cardiomyopathy.

Blueprint Genetics
Classification: Pathogenic for MYBPC3-related disorders. Last evaluated: 2023-08-15. Review status: criteria provided, single submitter. Criteria: ACMG Guidelines, 2015. Collection method: clinical testing. Allele origin: germline. Affected: yes. Observed: 5 variant alleles.

Clinical Genomics Laboratory, Washington University in St. Louis
Classification: Pathogenic for Hypertrophic cardiomyopathy 4. Last evaluated: 2023-08-02. Review status: criteria provided, single submitter. Criteria: ACMG Guidelines, 2015. Collection method: clinical testing. Allele origin: germline.
Comment: The MYBPC3 c.1624G>C (p.Glu542Gln) variant has been observed in individuals with hypertrophic cardiomyopathy and has been shown to segregate with disease in affected families (Carrier L et al., PMID: 9048664; Charron P et al., PMID: 9631872; Van Driest L et al., PMID: 15519027; Ingles J et al., PMID: 16199542; Olivetto I et al., PMID: 18533079; Rodríguez-García M et al., PMID: 20433692; Helms A et al., PMID: 25031304; Walsh R et al., PMID: 27532257). Functional studies show that this misssense variant, which sits next to a consensus splice site, alters splicing and results in nonsense mediated decay (Carrier L et al., PMID: 9048664; Martson S et al., PMID: 22057632; Helms A et al., PMID: 25031304). This variant is only observed on 5/262,678 alleles in the general population (gnomAD v.2.1.1), indicating it is not a common variant. Computational predictors indicate that the variant is damaging, evidence that correlates with impact to MYBPC3 function. Based on available information, and based on ACMG/AMP guidelines for variant interpretation (Richards S et al., PMID: 25741868), this variant is classified as pathogenic.

Greenwood Genetic Center Diagnostic Laboratories, Greenwood Genetic Center
Classification: Pathogenic for MYBPC3-related disorder. Last evaluated: 2023-07-19. Review status: criteria provided, single submitter. Criteria: ACMG Guidelines, 2015. Collection method: clinical testing. Allele origin: germline.
Comment: PM2, PP1, PS3_VeryStrong

Mayo Clinic Laboratories, Mayo Clinic
Classification: Pathogenic. Last evaluated: 2023-06-16. Review status: criteria provided, single submitter. Criteria: ACMG Guidelines, 2015. Collection method: clinical testing. Allele origin: germline. Observed: 6 variant alleles.
Comment: PP1, PS3, PS4

Baylor Genetics
Classification: Pathogenic for Left ventricular noncompaction 10. Last evaluated: 2023-03-29. Review status: criteria provided, single submitter. Criteria: ACMG Guidelines, 2015. Collection method: clinical testing. Allele origin: unknown.

Baylor Genetics
Classification: Pathogenic for Hypertrophic cardiomyopathy 4. Last evaluated: 2023-03-29. Review status: criteria provided, single submitter. Criteria: ACMG Guidelines, 2015. Collection method: clinical testing. Allele origin: unknown.

CHEO Genetics Diagnostic Laboratory, Children's Hospital of Eastern Ontario
Classification: Pathogenic for Cardiomyopathy. Last evaluated: 2023-03-17. Review status: criteria provided, single submitter. Criteria: ACMG Guidelines, 2015. Collection method: clinical testing. Allele origin: germline.

GeneDx
Classification: Pathogenic. Last evaluated: 2022-11-15. Review status: criteria provided, single submitter. Criteria: GeneDx Variant Classification Process June 2021. Collection method: clinical testing. Allele origin: germline. Affected: yes.
Comment: Not observed at significant frequency in large population cohorts (gnomAD); A study of fetal rat cardiomyocytes suggests that p.(E542Q) may have a dominant negative effect on sarcomere function (Flavigny et al., 1999); This variant is associated with the following publications: (PMID: 18533079, 30645170, 31198128, 23299917, 22057632, 15519027, 20378854, 19150014, 12707239, 18761664, 16199542, 21839045, 24793961, 20433692, 24093860, 25637381, 25031304, 27483260, 9048664, 26441228, 26936621, 28658286, 28538763, 28611029, 28193612, 28408708, 28790153, 28615295, 27532257, 28679633, 29511324, 29121657, 30609409, 29790872, 31006259, 31514951, 31996869, 31447099, 26822237, 24704860, 33500567, 31589614, 32731933, 32686758, 33673806, 34135346, 34495297, 34097875, 10610770)

HudsonAlpha Institute for Biotechnology
Classification: Pathogenic for Hypertrophic cardiomyopathy 4. Last evaluated: 2022-11-09. Review status: criteria provided, single submitter. Criteria: ACMG Guidelines, 2015. Collection method: research. Allele origin: maternal, paternal. Observed: 3 variant alleles. Study: HudsonAlpha-AGHI-WGS.
Comment: ACMG codes:PVS1_VeryStrong, PS3_Supporting, PS4_Moderate, PM2_Moderate, PP1_Strong

Fulgent Genetics
Classification: Pathogenic for Hypertrophic cardiomyopathy 4; Left ventricular noncompaction 10. Last evaluated: 2022-03-25. Review status: criteria provided, single submitter. Criteria: ACMG Guidelines, 2015. Collection method: clinical testing. Allele origin: unknown.

AiLife Diagnostics
Classification: Pathogenic. Last evaluated: 2022-02-08. Review status: criteria provided, single submitter. Criteria: ACMG Guidelines, 2015. Collection method: clinical testing. Allele origin: germline. Affected: yes. Observed: 2 variant alleles.